The following is an entry in ClinVar:

NM_001130438.3(SPTAN1):c.6707+10_6707+12delinsTTC

Gene: SPTAN1 (spectrin alpha, non-erythrocytic 1; plus strand). Cytogenetic location: 9q34.11.
Variant type: Indel.
Coding change: c.6707+10_6707+12delinsTTC on transcript NM_001130438.3 (MANE Select); bases 10 to 12 of the intron after coding-DNA position 6707, GTT replaced by TTC.
Molecular consequence: intron variant.
Genome position (GRCh38, 1-based): chr9:128,627,952-128,627,954, GTT replaced by TTC. VCF-style: chr9-128627952-GTT-TTC. GRCh37 (hg19) VCF-style: chr9-131390231-GTT-TTC.
Other names: c.6707+10_6707+12delinsTTC (NM_001363759.2); c.6692+10_6692+12delinsTTC (NM_003127.4); c.6647+10_6647+12delinsTTC (NM_001363765.2); c.6632+10_6632+12delinsTTC (NM_001195532.2).
Identifiers: ClinVar variation 682567 (VCV000682567.1), dbSNP rs1589395833, ClinGen allele CA915947577.

ClinVar aggregate classification (germline): Likely benign (1 of 4 stars; one submission).

Submission:

GeneDx
Classification: Likely benign. Last evaluated: 2018-04-25. Review status: criteria provided, single submitter. Criteria: GeneDx Variant Classification (06012015). Collection method: clinical testing. Allele origin: germline. Affected: yes.
Comment: This variant is considered likely benign or benign based on one or more of the following criteria: it is a conservative change, it occurs at a poorly conserved position in the protein, it is predicted to be benign by multiple in silico algorithms, and/or has population frequency not consistent with disease.